The following is an entry in ClinVar:

ClinVar aggregate classification (germline): Uncertain significance (1 of 4 stars; one submission).

Conditions:
Curry-Hall syndrome (WAD). Also called: WEYERS ACRODENTAL DYSOSTOSIS. Identifiers: Orphanet 952, MedGen C0457013, MONDO:0008673, OMIM 193530.
Ellis-van Creveld syndrome (EVC). Also called: EVC-Related Ellis-van Creveld Syndrome; EVC2-Related Ellis-van Creveld Syndrome; MESOECTODERMAL DYSPLASIA; Chondroectodermal dysplasia. Identifiers: Orphanet 289, MedGen C0013903, MONDO:0009162, OMIM 225500.

Allele frequency attached by ClinVar (database versions not stated): gnomAD exomes below 0.00001; TOPMed below 0.00001; ExAC 0.00001.
gnomAD v4.1: 3 of 1,614,188 alleles (0.00019%); highest among the groups gnomAD compares: Middle Eastern, 0.016%; no homozygotes.

Submission:

Labcorp Genetics (formerly Invitae), Labcorp
Classification: Uncertain significance for Curry-Hall syndrome; Ellis-van Creveld syndrome. Last evaluated: 2025-01-07. Review status: criteria provided, single submitter. Criteria: Invitae Variant Classification Sherloc (09022015). Collection method: clinical testing. Allele origin: germline.
Comment: This sequence change replaces threonine, which is neutral and polar, with isoleucine, which is neutral and non-polar, at codon 1072 of the EVC2 protein (p.Thr1072Ile). This variant is present in population databases (rs753230285, gnomAD 0.01%). This variant has not been reported in the literature in individuals affected with EVC2-related conditions. ClinVar contains an entry for this variant (Variation ID: 2923375). An algorithm developed to predict the effect of missense changes on protein structure and function (PolyPhen-2) suggests that this variant¬¨‚Ä†is likely to be tolerated. In summary, the available evidence is currently insufficient to determine the role of this variant in disease. Therefore, it has been classified as a Variant of Uncertain Significance.

NM_147127.5(EVC2):c.3215C>T (p.Thr1072Ile)

Gene: EVC2 (EvC ciliary complex subunit 2; minus strand). Cytogenetic location: 4p16.2.
Variant type: single nucleotide variant.
Coding change: c.3215C>T on transcript NM_147127.5 (MANE Select); coding-DNA position 3215, C replaced by T.
Protein change: p.Thr1072Ile; replaces threonine 1072 with isoleucine.
Molecular consequence: missense variant.
Genome position (GRCh38, 1-based): chr4:5,576,297, G>A on the plus strand (C>T on the coding strand, the complement: EVC2 is on the minus strand). VCF-style: chr4-5576297-G-A. GRCh37 (hg19) VCF-style: chr4-5578024-G-A.
Other names: c.2975C>T, p.Thr992Ile (NM_001166136.2); short protein forms T1072I, T992I.
Identifiers: ClinVar variation 2923375 (VCV002923375.2), dbSNP rs753230285, ClinGen allele CA2834417.